The following is an entry in ClinVar:

NM_004608.4(TBX6):c.1297A>C (p.Lys433Gln)

Gene: TBX6 (T-box transcription factor 6; minus strand). Cytogenetic location: 16p11.2.
Variant type: single nucleotide variant.
Coding change: c.1297A>C on transcript NM_004608.4 (MANE Select); coding-DNA position 1297, A replaced by C.
Protein change: p.Lys433Gln; replaces lysine 433 with glutamine.
Molecular consequence: missense variant.
Genome position (GRCh38, 1-based): chr16:30,086,239, T>G on the plus strand (A>C on the coding strand, the complement: TBX6 is on the minus strand). VCF-style: chr16-30086239-T-G. GRCh37 (hg19) VCF-style: chr16-30097560-T-G.
Other names: short protein forms K433Q.
Identifiers: ClinVar variation 1354234 (VCV001354234.8), dbSNP rs746202415, ClinGen allele CA8001612.

ClinVar aggregate classification (germline): Uncertain significance (1 of 4 stars; one submission).

Allele frequency attached by ClinVar (database versions not stated): gnomAD exomes 0.00001 and 0.00002; ExAC 0.00002; TOPMed 0.00002; gnomAD 0.00005.
gnomAD v4.1: 23 of 1,611,584 alleles (0.0014%); highest among the groups gnomAD compares: Middle Eastern, 0.021%; no homozygotes.

Submission:

Labcorp Genetics (formerly Invitae), Labcorp
Classification: Uncertain significance. Last evaluated: 2026-01-12. Review status: criteria provided, single submitter. Criteria: Invitae Variant Classification Sherloc (09022015). Collection method: clinical testing. Allele origin: germline.
Comment: This sequence change replaces lysine, which is basic and polar, with glutamine, which is neutral and polar, at codon 433 of the TBX6 protein (p.Lys433Gln). This variant is present in population databases (rs746202415, gnomAD 0.008%). This variant has not been reported in the literature in individuals affected with TBX6-related conditions. ClinVar contains an entry for this variant (Variation ID: 1354234). An algorithm developed to predict the effect of missense changes on protein structure and function (PolyPhen-2) suggests that this variant is likely to be disruptive. In summary, the available evidence is currently insufficient to determine the role of this variant in disease. Therefore, it has been classified as a Variant of Uncertain Significance.